The following is an entry in ClinVar:

NM_006035.4(CDC42BPB):c.1547C>T (p.Ala516Val)

Gene: CDC42BPB (CDC42 binding protein kinase beta; minus strand). Cytogenetic location: 14q32.32.
Variant type: single nucleotide variant.
Coding change: c.1547C>T on transcript NM_006035.4 (MANE Select); coding-DNA position 1547, C replaced by T.
Protein change: p.Ala516Val; replaces alanine 516 with valine.
Molecular consequence: missense variant.
Genome position (GRCh38, 1-based): chr14:102,974,110, G>A on the plus strand (C>T on the coding strand, the complement: CDC42BPB is on the minus strand). VCF-style: chr14-102974110-G-A. GRCh37 (hg19) VCF-style: chr14-103440447-G-A.
Other names: c.1547C>T, p.Ala516Val (NM_001411054.1); short protein forms A516V.
Identifiers: ClinVar variation 4820794 (VCV004820794.4).

ClinVar aggregate classification (germline): Likely benign (1 of 4 stars; one submission).

gnomAD v4.1: 172 of 1,613,792 alleles (0.011%); highest among the groups gnomAD compares: Middle Eastern, 0.016%; no homozygotes.

Submission:

CeGaT Center for Human Genetics Tuebingen
Classification: Likely benign. Last evaluated: 2026-03-01. Review status: criteria provided, single submitter. Criteria: CeGaT Center For Human Genetics Tuebingen Variant Classification Criteria Version 2. Collection method: clinical testing. Allele origin: germline. Affected: yes. Observed: 1 variant allele.
Comment: CDC42BPB: BP4